The following is an entry in ClinVar:

NM_001018113.3(FANCB):c.1043C>T (p.Ser348Phe)

Gene: FANCB (FA complementation group B; minus strand). Cytogenetic location: Xp22.2.
Variant type: single nucleotide variant.
Coding change: c.1043C>T on transcript NM_001018113.3 (MANE Select); coding-DNA position 1043, C replaced by T.
Protein change: p.Ser348Phe; replaces serine 348 with phenylalanine.
Molecular consequence: missense variant.
Genome position (GRCh38, 1-based): chrX:14,859,243, G>A on the plus strand (C>T on the coding strand, the complement: FANCB is on the minus strand). VCF-style: chrX-14859243-G-A. GRCh37 (hg19) VCF-style: chrX-14877365-G-A.
Other names: c.1043C>T, p.Ser348Phe (NM_001324162.2, NM_001410764.1, NM_152633.4); short protein forms S348F.
Identifiers: ClinVar variation 4693786 (VCV004693786.1).

ClinVar aggregate classification (germline): Uncertain significance (1 of 4 stars; one submission).

Conditions:
Fanconi anemia (FA). Also called: Fanconi's anemia. Identifiers: Orphanet 84, MedGen C0015625, MeSH D005199, MONDO:0019391.

Submission:

Labcorp Genetics (formerly Invitae), Labcorp
Classification: Uncertain significance for Fanconi anemia. Last evaluated: 2025-03-07. Review status: criteria provided, single submitter. Criteria: Invitae Variant Classification Sherloc (09022015). Collection method: clinical testing. Allele origin: germline.
Comment: This sequence change replaces serine, which is neutral and polar, with phenylalanine, which is neutral and non-polar, at codon 348 of the FANCB protein (p.Ser348Phe). This variant is not present in population databases (gnomAD no frequency). This variant has not been reported in the literature in individuals affected with FANCB-related conditions. Invitae Evidence Modeling of protein sequence and biophysical properties (such as structural, functional, and spatial information, amino acid conservation, physicochemical variation, residue mobility, and thermodynamic stability) indicates that this missense variant is not expected to disrupt FANCB protein function with a negative predictive value of 80%. In summary, the available evidence is currently insufficient to determine the role of this variant in disease. Therefore, it has been classified as a Variant of Uncertain Significance.